The following is an entry in ClinVar:

ClinVar aggregate classification (germline): Likely benign. Review status: reviewed by expert panel (3 of 4 stars). 8 submissions from 8 submitters: Likely benign (1). 7 of the submissions do not count toward it. Last evaluated 2023-09-25.

Conditions:
CDH1-related diffuse gastric and lobular breast cancer syndrome. Also called: CDH1-related diffuse gastric and lobular breast cancer. Identifiers: MedGen CN311521, MONDO:0100488.
Hereditary cancer-predisposing syndrome. Also called: Neoplastic Syndromes, Hereditary; Hereditary Cancer Syndrome; Hereditary neoplastic syndrome; Tumor predisposition. Identifiers: Orphanet 140162, MedGen C0027672, MeSH D009386, MONDO:0015356.
Hereditary diffuse gastric adenocarcinoma (HDGC). Also called: DIFFUSE GASTRIC AND LOBULAR BREAST CANCER SYNDROME. Identifiers: Orphanet 26106, MedGen C1708349, MONDO:0007648, OMIM 137215.

Allele frequency attached by ClinVar (database versions not stated): gnomAD 0.00001; gnomAD exomes 0.00002 and 0.00004; TOPMed 0.00002; ExAC 0.00005.
gnomAD v4.1: 13 of 1,614,026 alleles (0.00081%); highest among the groups gnomAD compares: Admixed American, 0.02%; no homozygotes.

Submissions (8):

Clingen Gastric Cancer Variant Curation Expert Panel
Classification: Likely benign for CDH1-related diffuse gastric and lobular breast cancer syndrome. Last evaluated: 2023-09-25. Review status: reviewed by expert panel. Criteria: ClinGen CDH1 ACMG Specifications V3.1. Collection method: curation. Allele origin: germline. Inheritance: Autosomal dominant inheritance.
Comment: The c.1132A>C (p.Thr378Pro) missense variant has a maximum subpopulation frequency of 0.026% in the gnomAD v2.1.1 cohort. This variant has been observed in over 80 probands not meeting HDGC phenotype criteria (BS2; SCV000184088.7, SCV000637698.8, SCV001801305.4). In summary, this variant meets criteria to be classified as Likely Benign based on the ACMG/AMP criteria applied as specified by the CDH1 Variant Curation Expert Panel: BS2.

Labcorp Genetics (formerly Invitae), Labcorp
Classification: Likely benign for Hereditary diffuse gastric adenocarcinoma. Last evaluated: 2026-01-31. Review status: criteria provided, single submitter. Criteria: Invitae Variant Classification Sherloc (09022015). Collection method: clinical testing. Allele origin: germline. Not counted in ClinVar's aggregate classification.

Quest Diagnostics Nichols Institute San Juan Capistrano
Classification: Likely benign. Last evaluated: 2025-08-04. Review status: criteria provided, single submitter. Criteria: Quest Diagnostics criteria. Collection method: clinical testing. Allele origin: unknown. Not counted in ClinVar's aggregate classification.

Myriad Genetics, Inc.
Classification: Likely benign for Hereditary diffuse gastric adenocarcinoma. Last evaluated: 2025-03-24. Review status: criteria provided, single submitter. Criteria: Myriad Autosomal Dominant, Autosomal Recessive and X-Linked Classification Criteria (2023). Collection method: clinical testing. Allele origin: unknown. Not counted in ClinVar's aggregate classification.
Comment: This variant is considered likely benign. Homozygosity has been confirmed in one or more individuals. As homozygosity for pathogenic variants in this gene is generally assumed to result in embryonic lethality, this variant is unlikely to be pathogenic.

GeneDx
Classification: Uncertain significance. Last evaluated: 2023-05-31. Review status: criteria provided, single submitter. Criteria: GeneDx Variant Classification Process June 2021. Collection method: clinical testing. Allele origin: germline. Affected: yes. Not counted in ClinVar's aggregate classification.
Comment: In silico analysis supports that this missense variant does not alter protein structure/function; Has not been previously published as pathogenic or benign to our knowledge; This variant is associated with the following publications: (PMID: 15235021, 22850631)

Color Diagnostics, LLC DBA Color Health
Classification: Uncertain significance for Hereditary cancer-predisposing syndrome. Last evaluated: 2023-05-09. Review status: criteria provided, single submitter. Criteria: ACMG Guidelines, 2015. Collection method: clinical testing. Allele origin: germline. Not counted in ClinVar's aggregate classification.
Comment: This missense variant replaces threonine with proline at codon 378 of the CDH1 protein. Computational prediction tool suggests that this variant may not impact protein structure and function (internally defined REVEL score threshold <=0.5, PMID: 27666373). Splice site prediction tools suggest that this variant may not impact RNA splicing. To our knowledge, functional studies have not been reported for this variant. This variant has been reported in 3 individuals affected with breast cancer and 1 unaffected individual (PMID: 31206626). This variant has been identified in 10/251474 chromosomes in the general population by the Genome Aggregation Database (gnomAD). The available evidence is insufficient to determine the role of this variant in disease conclusively. Therefore, this variant is classified as a Variant of Uncertain Significance.

Ambry Genetics
Classification: Likely benign for Hereditary cancer-predisposing syndrome. Last evaluated: 2022-07-11. Review status: criteria provided, single submitter. Criteria: Ambry Variant Classification Scheme 2023. Collection method: clinical testing. Allele origin: germline. Not counted in ClinVar's aggregate classification.

Women's Health and Genetics/Laboratory Corporation of America, LabCorp
Classification: Likely benign. Last evaluated: 2021-12-27. Review status: criteria provided, single submitter. Criteria: LabCorp Variant Classification Summary - May 2015. Collection method: clinical testing. Allele origin: germline. Not counted in ClinVar's aggregate classification.
Comment: Variant summary: CDH1 c.1132A>C (p.Thr378Pro) results in a non-conservative amino acid change located in the Cadherin-like domain (IPR002126) of the encoded protein sequence. Four of five in-silico tools predict a benign effect of the variant on protein function. The variant allele was found at a frequency of 4e-05 in 251474 control chromosomes. The observed variant frequency is approximately 1.9 fold of the estimated maximal expected allele frequency for a pathogenic variant in CDH1 causing Breast Cancer phenotype (2.1e-05), strongly suggesting that the variant is benign. c.1132A>C has been reported in the literature as a VUS in settings of multigene panel testing among individuals affected with Breast Cancer as well as in unaffected controls (example, Weitzel_2019). These report(s) do not provide unequivocal conclusions about association of the variant with Breast and/or Hereditary Diffuse Gastric Cancer. To our knowledge, no experimental evidence demonstrating an impact on protein function has been reported. Five clinical diagnostic laboratories have submitted clinical-significance assessments for this variant to ClinVar after 2014 without evidence for independent evaluation. All laboratories classified the variant as uncertain significance. Based on the evidence outlined above, the variant was classified as likely benign.

Literature cited by the submitters: PubMed 31206626 (cited by 4 submitters).

NM_004360.5(CDH1):c.1132A>C (p.Thr378Pro)

Gene: CDH1 (cadherin 1; plus strand). Cytogenetic location: 16q22.1.
Variant type: single nucleotide variant.
Coding change: c.1132A>C on transcript NM_004360.5 (MANE Select); coding-DNA position 1132, A replaced by C.
Protein change: p.Thr378Pro; replaces threonine 378 with proline.
Molecular consequence: missense variant. On other transcripts: 5 prime UTR variant (2).
Genome position (GRCh38, 1-based): chr16:68,812,258, A>C. VCF-style: chr16-68812258-A-C. GRCh37 (hg19) VCF-style: chr16-68846161-A-C.
Other names: NM_004360.5(CDH1):c.1132A>C; p.Thr378Pro; c.1132A>C (LRG_301t1); c.1132A>C, p.Thr378Pro (NM_001317184.2); c.-484A>C (NM_001317185.2); c.-688A>C (NM_001317186.2); short protein forms T378P.
Identifiers: ClinVar variation 141010 (VCV000141010.31), dbSNP rs587781432, ClinGen allele CA164201.